The following is an entry in ClinVar:

NM_003072.5(SMARCA4):c.2082C>T (p.Asp694=)

Gene: SMARCA4 (SWI/SNF related BAF chromatin remodeling complex subunit ATPase 4; plus strand). Cytogenetic location: 19p13.2.
Variant type: single nucleotide variant.
Coding change: c.2082C>T on transcript NM_003072.5 (MANE Select); coding-DNA position 2082, C replaced by T.
Protein change: p.Asp694=; no amino-acid change (aspartic acid 694 retained).
Molecular consequence: synonymous variant. On other transcripts: non-coding transcript variant (1).
Genome position (GRCh38, 1-based): chr19:11,007,982, C>T. VCF-style: chr19-11007982-C-T. GRCh37 (hg19) VCF-style: chr19-11118658-C-T.
Other names: c.2082C>T, p.Asp694= (NM_001128844.3, NM_001128845.2, NM_001128846.2 and 4 more transcripts).
Identifiers: ClinVar variation 820678 (VCV000820678.14), dbSNP rs373420556, ClinGen allele CA9204001.

ClinVar aggregate classification (germline): Benign/Likely benign. Review status: criteria provided, multiple submitters, no conflicts (2 of 4 stars). 3 submissions from 3 submitters: Benign (1); Likely benign (2). Last evaluated 2026-07-13.

Conditions:
Hereditary cancer-predisposing syndrome. Also called: Hereditary neoplastic syndrome; Neoplastic Syndromes, Hereditary; Tumor predisposition; Hereditary Cancer Syndrome. Identifiers: Orphanet 140162, MedGen C0027672, MeSH D009386, MONDO:0015356.
Rhabdoid tumor predisposition syndrome 2 (RTPS2). Identifiers: Orphanet 231108, Orphanet 69077, MedGen C2750074, MONDO:0013224, OMIM 613325.

Allele frequency attached by ClinVar (database versions not stated): TOPMed 0.00002; ESP Exome Variant Server 0.00008; ExAC 0.00001; gnomAD 0.00001.

Submissions (3):

Myriad Genetics, Inc.
Classification: Benign for Rhabdoid tumor predisposition syndrome 2. Last evaluated: 2026-07-13. Review status: criteria provided, single submitter. Criteria: Myriad Autosomal Dominant, Autosomal Recessive and X-Linked Classification Criteria (2023). Collection method: clinical testing. Allele origin: unknown.
Comment: This variant is considered benign. This variant is a silent/synonymous amino acid change and it is not expected to impact splicing.

Labcorp Genetics (formerly Invitae), Labcorp
Classification: Likely benign for Rhabdoid tumor predisposition syndrome 2. Last evaluated: 2025-11-27. Review status: criteria provided, single submitter. Criteria: Invitae Variant Classification Sherloc (09022015). Collection method: clinical testing. Allele origin: germline.

Ambry Genetics
Classification: Likely benign for Hereditary cancer-predisposing syndrome. Last evaluated: 2019-11-20. Review status: criteria provided, single submitter. Criteria: Ambry Variant Classification Scheme 2023. Collection method: clinical testing. Allele origin: germline.